The following is an entry in ClinVar:

NM_000535.7(PMS2):c.911_912del (p.Arg304fs)

Gene: PMS2 (PMS1 homolog 2, mismatch repair system component; minus strand). Cytogenetic location: 7p22.1.
Variant type: Deletion.
Coding change: c.911_912del on transcript NM_000535.7 (MANE Select); coding-DNA positions 911 to 912, 2 bases deleted (GA; older notation c.911_912delGA).
Protein change: p.Arg304fs; shifts the reading frame from arginine 304.
Molecular consequence: frameshift variant. On other transcripts: 5 prime UTR variant (2), non-coding transcript variant (1).
Genome position (GRCh38, 1-based): chr7:5,992,049-5,992,050, TC deleted on the plus strand (GA on the coding strand, the reverse complement: PMS2 is on the minus strand); deleting any 2 consecutive bases within chr7:5,992,049-5,992,051 gives the same sequence; the c. name uses the placement nearest the transcript's 3' end. VCF-style (leftmost placement, unchanged base first): chr7-5992048-GTC-G. GRCh37 (hg19) VCF-style: chr7-6031679-GTC-G.
Other names: c.910_911delAG, p.Arg304Thrfs (NM_001406871.1, NM_001406872.1, NM_001406870.1); c.712_713delAG, p.Arg238Thrfs (NM_001406873.1); c.742_743delAG, p.Arg248Thrfs (NM_001406874.1, NM_001406884.1); c.592_593delAG, p.Arg198Thrfs (NM_001406876.1, NM_001406883.1, NM_001406901.1 and 2 more transcripts); c.601_602delAG, p.Arg201Thrfs (NM_001406878.1, NM_001406877.1, NM_001406879.1 and 5 more transcripts); c.505_506delAG, p.Arg169Thrfs (NM_001018040.1, NM_001406887.1, NM_001406888.1 and 15 more transcripts); c.506_507del, p.Arg169fs (NM_001322003.2, NM_001322004.2, NM_001322005.2 and 2 more transcripts); c.911_912del, p.Arg304fs (NM_001322006.2, NM_001322014.2); and 13 more; short protein forms R201fs, R113fs, R169fs, R198fs, R304fs.
Identifiers: ClinVar variation 1765848 (VCV001765848.2), dbSNP rs2536017434, ClinGen allele CA2580076789.

ClinVar aggregate classification (germline): Pathogenic (1 of 4 stars; one submission).

Conditions:
Hereditary cancer-predisposing syndrome. Also called: Neoplastic Syndromes, Hereditary; Tumor predisposition; Hereditary Cancer Syndrome; Hereditary neoplastic syndrome. Identifiers: Orphanet 140162, MedGen C0027672, MeSH D009386, MONDO:0015356.

Submission:

Ambry Genetics
Classification: Pathogenic for Hereditary cancer-predisposing syndrome. Last evaluated: 2019-06-03. Review status: criteria provided, single submitter. Criteria: Ambry Variant Classification Scheme 2023. Collection method: clinical testing. Allele origin: germline.
Comment: The c.911_912delGA pathogenic mutation, located in coding exon 9 of the PMS2 gene, results from a deletion of two nucleotides at nucleotide positions 911 to 912, causing a translational frameshift with a predicted alternate stop codon (p.R304Tfs*4). This alteration is expected to result in loss of function by premature protein truncation or nonsense-mediated mRNA decay. As such, this alteration is interpreted as a disease-causing mutation.